The following is an entry in ClinVar:

ClinVar aggregate classification (germline): Conflicting classifications of pathogenicity. Review status: criteria provided, conflicting classifications (1 of 4 stars). 2 submissions from 2 submitters: Uncertain significance (1); Likely benign (1). Last evaluated 2025-09-05.

Conditions:
Cardiovascular phenotype. Identifiers: MedGen CN230736.
Long QT syndrome (LQTS). Identifiers: MedGen C0023976, MeSH D008133, MONDO:0002442. Disease mechanism: loss of function. Inheritance: Various modes of inheritance.

Allele frequency attached by ClinVar (database versions not stated): ExAC 0.00001; gnomAD exomes 0.00001.
gnomAD v4.1: 20 of 1,614,004 alleles (0.0012%); highest among the groups gnomAD compares: Non-Finnish European, 0.0017%; no homozygotes.

Submissions (2):

Labcorp Genetics (formerly Invitae), Labcorp
Classification: Uncertain significance for Long QT syndrome. Last evaluated: 2025-09-05. Review status: criteria provided, single submitter. Criteria: Invitae Variant Classification Sherloc (09022015). Collection method: clinical testing. Allele origin: germline.
Comment: This sequence change replaces threonine, which is neutral and polar, with isoleucine, which is neutral and non-polar, at codon 2877 of the ANK2 protein (p.Thr2877Ile). This variant is present in population databases (rs763136492, gnomAD 0.0009%). This variant has not been reported in the literature in individuals affected with ANK2-related conditions. ClinVar contains an entry for this variant (Variation ID: 857887). An algorithm developed to predict the effect of missense changes on protein structure and function outputs the following: PolyPhen-2: "Benign". The isoleucine amino acid residue is found in multiple mammalian species, which suggests that this missense change does not adversely affect protein function. In summary, the available evidence is currently insufficient to determine the role of this variant in disease. Therefore, it has been classified as a Variant of Uncertain Significance.

Ambry Genetics
Classification: Likely benign for Cardiovascular phenotype. Last evaluated: 2024-11-20. Review status: criteria provided, single submitter. Criteria: Ambry Variant Classification Scheme 2023. Collection method: clinical testing. Allele origin: germline.

NM_001148.6(ANK2):c.8630C>T (p.Thr2877Ile)

Gene: ANK2 (ankyrin 2; plus strand). Cytogenetic location: 4q26.
Variant type: single nucleotide variant.
Coding change: c.8630C>T on transcript NM_001148.6 (MANE Select); coding-DNA position 8630, C replaced by T.
Protein change: p.Thr2877Ile; replaces threonine 2877 with isoleucine.
Molecular consequence: missense variant. On other transcripts: intron variant (68).
Genome position (GRCh38, 1-based): chr4:113,357,248, C>T. VCF-style: chr4-113357248-C-T. GRCh37 (hg19) VCF-style: chr4-114278404-C-T.
Other names: c.8396C>T, p.Thr2799Ile (NM_001386142.1); c.5030C>T, p.Thr1677Ile (NM_001386166.1); c.8771C>T, p.Thr2924Ile (NM_001386174.1); c.8747C>T, p.Thr2916Ile (NM_001386175.1); c.4412-3575C>T (NM_001386186.2, NM_001386148.2); c.4214-3575C>T (NM_001354269.3); c.4292-3575C>T (NM_001386187.2); c.4253-3575C>T (NM_001386147.1); and 35 more; short protein forms T2877I, T1677I, T2799I, T2916I, T2924I.
Identifiers: ClinVar variation 857887 (VCV000857887.7), dbSNP rs763136492, ClinGen allele CA3051797.